The following is an entry in ClinVar:

NM_000169.3(GLA):c.816C>A (p.Asn272Lys)

Genes: GLA (galactosidase alpha; minus strand), RPL36A-HNRNPH2 (RPL36A-HNRNPH2 readthrough; plus strand). Cytogenetic location: Xq22.1.
Variant type: single nucleotide variant.
Coding change: c.816C>A on transcript NM_000169.3 (MANE Select); coding-DNA position 816, C replaced by A.
Protein change: p.Asn272Lys; replaces asparagine 272 with lysine.
Molecular consequence: missense variant. On other transcripts: non-coding transcript variant (3), intron variant (2).
Genome position (GRCh38, 1-based): chrX:101,398,553, G>T on the plus strand (C>A on the coding strand, the complement: GLA is on the minus strand). VCF-style: chrX-101398553-G-T. GRCh37 (hg19) VCF-style: chrX-100653541-G-T.
Other names: c.939C>A, p.Asn313Lys (NM_001406747.1); c.816C>A, p.Asn272Lys (NM_001406748.1); c.300+3096G>T (NM_001199973.2); c.177+6731G>T (NM_001199974.2); short protein forms N272K, N313K.
Identifiers: ClinVar variation 2634390 (VCV002634390.3), dbSNP rs2520864961, ClinGen allele CA413923380.

ClinVar aggregate classification (germline): Pathogenic/Likely pathogenic. Review status: criteria provided, multiple submitters, no conflicts (2 of 4 stars). 2 submissions from 2 submitters: Pathogenic (1); Likely pathogenic (1). Last evaluated 2026-09-08.

Conditions:
Fabry disease. Also called: Fabry's disease; ALPHA-GALACTOSIDASE A DEFICIENCY; ANDERSON-FABRY DISEASE; CERAMIDE TRIHEXOSIDASE DEFICIENCY; Ceramide trihexosidosis; GLA DEFICIENCY. Identifiers: Orphanet 324, MedGen C0002986, MONDO:0010526, OMIM 301500, HP:0001071. Disease mechanism: Fabry disease is due to inactivating mutations in the X-linked GLA gene resulting in deficiency of the enzyme Alpha Galactosidase-A., loss of function.
GLA-related disorder. Also called: GLA-related condition.

Submissions (2):

Genomenon, Inc
Classification: Likely pathogenic for Fabry disease. Last evaluated: 2026-09-08. Review status: criteria provided, single submitter. Criteria: Genomenon Sequence Variant Interpretation Standards - Updated. Collection method: curation. Allele origin: germline. Affected: yes.
Comment: GLA p.Asn272Lys (c.816C>A) is a missense variant that changes the amino acid at codon 272 from Asparagine to Lysine. This variant has been observed in at least one proband with clinical features consistent with Fabry disease (PMID:32127409;26018987;7531540;33437642). At least one functional study has demonstrated a substantial alteration in protein function relative to the wild-type (PMID:21598360;27657681). It is absent or not present at a significant frequency in gnomAD. In silico models predict that this variant is possibly or probably damaging. In conclusion, we classify GLA p.Asn272Lys (c.816C>A) as a likely pathogenic variant.

PreventionGenetics, part of Exact Sciences
Classification: Pathogenic for GLA-related condition. Last evaluated: 2023-07-22. Review status: criteria provided, single submitter. Criteria: ACMG Guidelines, 2015. Collection method: clinical testing. Allele origin: germline.
Comment: The GLA c.816C>A variant is predicted to result in the amino acid substitution p.Asn272Lys. This variant has been reported in individuals with Fabry disease (Eng et al. 1994. PubMed ID: 7531540; Dutra-Clarke et al. 2020. PubMed ID: 33437642). Additionally, alternate substitutions of this amino acid (p.Asn272Ser and p.Asn272Ile) have been reported in individuals with Fabry disease (Verovnik et al. 2004. PubMed ID: 15162124; Ferri et al. 2018. PubMed ID: 29476735). Functional studies of the p.Asn272Lys substitution support its pathogenicity (Wu et al. 2011. PubMed ID: 21598360; Saito et al. 2013. PubMed ID: 24386359). This variant has not been reported in a large population database, indicating this variant is rare. This variant is interpreted as pathogenic.

Literature cited by the submitters: PubMed 32127409 (cited by Genomenon, Inc); PubMed 26018987 (cited by Genomenon, Inc); PubMed 7531540 (cited by Genomenon, Inc); PubMed 33437642 (cited by Genomenon, Inc); PubMed 21598360 (cited by Genomenon, Inc); PubMed 27657681 (cited by Genomenon, Inc).